The following is an entry in ClinVar:

ClinVar aggregate classification (germline): Uncertain significance (1 of 4 stars; one submission).

Submission:

Labcorp Genetics (formerly Invitae), Labcorp
Classification: Uncertain significance. Last evaluated: 2025-04-09. Review status: criteria provided, single submitter. Criteria: Invitae Variant Classification Sherloc (09022015). Collection method: clinical testing. Allele origin: germline.
Comment: This sequence change replaces proline, which is neutral and non-polar, with serine, which is neutral and polar, at codon 278 of the EMC1 protein (p.Pro278Ser). This variant is not present in population databases (gnomAD no frequency). This variant has not been reported in the literature in individuals affected with EMC1-related conditions. Invitae Evidence Modeling of protein sequence and biophysical properties (such as structural, functional, and spatial information, amino acid conservation, physicochemical variation, residue mobility, and thermodynamic stability) indicates that this missense variant is not expected to disrupt EMC1 protein function with a negative predictive value of 80%. In summary, the available evidence is currently insufficient to determine the role of this variant in disease. Therefore, it has been classified as a Variant of Uncertain Significance.

NM_015047.3(EMC1):c.832C>T (p.Pro278Ser)

Genes: EMC1 (ER membrane protein complex subunit 1; minus strand), EMC1-AS1 (EMC1 antisense RNA 1; plus strand). Cytogenetic location: 1p36.13.
Variant type: single nucleotide variant.
Coding change: c.832C>T on transcript NM_015047.3 (MANE Select); coding-DNA position 832, C replaced by T.
Protein change: p.Pro278Ser; replaces proline 278 with serine.
Molecular consequence: missense variant.
Genome position (GRCh38, 1-based): chr1:19,239,940, G>A on the plus strand (C>T on the coding strand, the complement: EMC1 is on the minus strand). VCF-style: chr1-19239940-G-A. GRCh37 (hg19) VCF-style: chr1-19566434-G-A.
Other names: c.832C>T, p.Pro278Ser (NM_001271427.2, NM_001271428.2, NM_001375820.1 and 1 more transcripts); c.766C>T, p.Pro256Ser (NM_001271429.2); short protein forms P256S, P278S.
Identifiers: ClinVar variation 4808997 (VCV004808997.1).